The following is an entry in ClinVar:

NM_001197104.2(KMT2A):c.6086T>C (p.Met2029Thr)

Gene: KMT2A (lysine methyltransferase 2A; plus strand). Cytogenetic location: 11q23.3.
Variant type: single nucleotide variant.
Coding change: c.6086T>C on transcript NM_001197104.2 (MANE Select); coding-DNA position 6086, T replaced by C.
Protein change: p.Met2029Thr; replaces methionine 2029 with threonine.
Molecular consequence: missense variant.
Genome position (GRCh38, 1-based): chr11:118,499,841, T>C. VCF-style: chr11-118499841-T-C. GRCh37 (hg19) VCF-style: chr11-118370556-T-C.
Other names: c.6176T>C, p.Met2059Thr (NM_001412597.1); c.6077T>C, p.Met2026Thr (NM_005933.4); short protein forms M2026T, M2029T, M2059T.
Identifiers: ClinVar variation 1956905 (VCV001956905.6), dbSNP rs782007598, ClinGen allele CA6304178.
Genomic context (GRCh38, chr11:118,499,841, plus strand): 5'-AAAATAAAATGACGCTCATAATCTTCTCTAATCGGTTCTTCTTTCCTTGGTCAGGGTCTA[T>C]GACAATCGACTGCTTAGGAATTCTAAATGATCTCTCCGACTGTGAAGATAAGCTCTTTCC-3'
Protein context (NP_001184033.1, residues 2019-2039): PENIHMMIGS[Met2029Thr]TIDCLGILND

ClinVar aggregate classification (germline): Uncertain significance. Review status: criteria provided, multiple submitters, no conflicts (2 of 4 stars). 2 submissions from 2 submitters: Uncertain significance (2). Last evaluated 2025-04-03.

Conditions:
Inborn genetic diseases. Identifiers: MedGen C0950123, MeSH D030342.

Allele frequency attached by ClinVar (database versions not stated): gnomAD exomes below 0.00001; ExAC 0.00001; TOPMed 0.00001.
gnomAD v4.1: 4 of 1,609,892 alleles (0.00025%); highest among the groups gnomAD compares: African/African-American, 0.0013%; no homozygotes.

Submissions (2):

Ambry Genetics
Classification: Uncertain significance for Inborn genetic diseases. Last evaluated: 2025-04-03. Review status: criteria provided, single submitter. Criteria: Ambry Variant Classification Scheme 2023. Collection method: clinical testing. Allele origin: germline.

Labcorp Genetics (formerly Invitae), Labcorp
Classification: Uncertain significance. Last evaluated: 2024-10-30. Review status: criteria provided, single submitter. Criteria: Invitae Variant Classification Sherloc (09022015). Collection method: clinical testing. Allele origin: germline.
Comment: This sequence change replaces methionine, which is neutral and non-polar, with threonine, which is neutral and polar, at codon 2029 of the KMT2A protein (p.Met2029Thr). This variant is present in population databases (rs782007598, gnomAD 0.007%). This variant has not been reported in the literature in individuals affected with KMT2A-related conditions. ClinVar contains an entry for this variant (Variation ID: 1956905). Invitae Evidence Modeling of protein sequence and biophysical properties (such as structural, functional, and spatial information, amino acid conservation, physicochemical variation, residue mobility, and thermodynamic stability) has been performed for this missense variant. However, the output from this modeling did not meet the statistical confidence thresholds required to predict the impact of this variant on KMT2A protein function. In summary, the available evidence is currently insufficient to determine the role of this variant in disease. Therefore, it has been classified as a Variant of Uncertain Significance.